The following is an entry in ClinVar:

ClinVar aggregate classification (germline): Likely benign (0 of 4 stars; one submission).

Conditions:
TBX3-related disorder. Also called: TBX3-related condition.

gnomAD v4.1: 36 of 1,613,908 alleles (0.0022%); highest among the groups gnomAD compares: Non-Finnish European, 0.003%; no homozygotes.

Submission:

PreventionGenetics, part of Exact Sciences
Classification: Likely benign for TBX3-related condition. Last evaluated: 2024-05-31. Review status: no assertion criteria provided. Collection method: clinical testing. Allele origin: germline.
Comment: This variant is classified as likely benign based on ACMG/AMP sequence variant interpretation guidelines (Richards et al. 2015 PMID: 25741868, with internal and published modifications).

NM_005996.4(TBX3):c.603C>T (p.Val201=)

Gene: TBX3 (T-box transcription factor 3; minus strand). Cytogenetic location: 12q24.21.
Variant type: single nucleotide variant.
Coding change: c.603C>T on transcript NM_005996.4 (MANE Select); coding-DNA position 603, C replaced by T.
Protein change: p.Val201=; no amino-acid change (valine 201 retained).
Molecular consequence: synonymous variant.
Genome position (GRCh38, 1-based): chr12:114,680,933, G>A on the plus strand (C>T on the coding strand, the complement: TBX3 is on the minus strand). VCF-style: chr12-114680933-G-A. GRCh37 (hg19) VCF-style: chr12-115118738-G-A.
Other names: c.603C>T, p.Val201= (NM_016569.4).
Identifiers: ClinVar variation 3358642 (VCV003358642.1).
Genomic context (GRCh38, chr12:114,680,933, plus strand): 5'-ACTTACAAATCCATGTTTGTCTGAAATGTTGTTGGTGAGTTTCAGTTTGTGGAAAGTGAC[G>A]ACTTTGGACATCCACTGTTCCCCAGTAGCGGGGCTGTCCGGGTGAATGTACATCCTCTTT-3'
Protein context (NP_005987.3, residues 191-211): PATGEQWMSK[Val201=]VTFHKLKLTN